The following is an entry in ClinVar:

ClinVar aggregate classification (germline): Likely benign. Review status: criteria provided, multiple submitters, no conflicts (2 of 4 stars). 2 submissions from 2 submitters: Likely benign (2). Last evaluated 2025-03-04.

Conditions:
TUB-related disorder. Also called: TUB-related condition.

Allele frequency attached by ClinVar (database versions not stated): gnomAD 0.00001; gnomAD exomes 0.00001; TOPMed 0.00003.
gnomAD v4.1: 17 of 1,614,036 alleles (0.0011%); highest among the groups gnomAD compares: African/African-American, 0.0027%; no homozygotes.

Submissions (2):

Labcorp Genetics (formerly Invitae), Labcorp
Classification: Likely benign. Last evaluated: 2025-03-04. Review status: criteria provided, single submitter. Criteria: Invitae Variant Classification Sherloc (09022015). Collection method: clinical testing. Allele origin: germline.

PreventionGenetics, part of Exact Sciences
Classification: Likely benign for TUB-related condition. Last evaluated: 2024-10-30. Review status: criteria provided, single submitter. Criteria: ACMG Guidelines, 2015. Collection method: clinical testing. Allele origin: germline.
Comment: This variant is classified as likely benign based on ACMG/AMP sequence variant interpretation guidelines (Richards et al. 2015 PMID: 25741868, with internal and published modifications).

NM_177972.3(TUB):c.1338C>T (p.Arg446=)

Genes: TUB (TUB bipartite transcription factor; plus strand), RIC3 (RIC3 acetylcholine receptor chaperone; minus strand). Cytogenetic location: 11p15.4.
Variant type: single nucleotide variant.
Coding change: c.1338C>T on transcript NM_177972.3 (MANE Select); coding-DNA position 1338, C replaced by T.
Protein change: p.Arg446=; no amino-acid change (arginine 446 retained).
Molecular consequence: synonymous variant.
Genome position (GRCh38, 1-based): chr11:8,100,948, C>T. VCF-style: chr11-8100948-C-T. GRCh37 (hg19) VCF-style: chr11-8122495-C-T.
Other names: c.1503C>T, p.Arg501= (NM_003320.5); c.1503C>T (NM_003320.4).
Identifiers: ClinVar variation 1084938 (VCV001084938.10), dbSNP rs755107569, ClinGen allele CA5871467.